The following is an entry in ClinVar:

ClinVar aggregate classification (germline): Uncertain significance (1 of 4 stars; one submission).

Conditions:
Familial hemophagocytic lymphohistiocytosis 5. Also called: STXBP2-Related Familial Hemophagocytic Lymphohistiocytosis (STXBP2-fHLH). Identifiers: Orphanet 540, MedGen C2751293, MONDO:0013135, OMIM 613101.

Allele frequency attached by ClinVar (database versions not stated): gnomAD exomes below 0.00001; TOPMed below 0.00001; gnomAD 0.00001.
gnomAD v4.1: 4 of 1,611,778 alleles (0.00025%); highest among the groups gnomAD compares: Non-Finnish European, 0.00034%; no homozygotes.

Submission:

Labcorp Genetics (formerly Invitae), Labcorp
Classification: Uncertain significance for Familial hemophagocytic lymphohistiocytosis 5. Last evaluated: 2023-10-03. Review status: criteria provided, single submitter. Criteria: Invitae Variant Classification Sherloc (09022015). Collection method: clinical testing. Allele origin: germline.
Comment: This sequence change replaces asparagine, which is neutral and polar, with threonine, which is neutral and polar, at codon 494 of the STXBP2 protein (p.Asn494Thr). This variant is not present in population databases (gnomAD no frequency). This variant has not been reported in the literature in individuals affected with STXBP2-related conditions. ClinVar contains an entry for this variant (Variation ID: 657810). Advanced modeling of protein sequence and biophysical properties (such as structural, functional, and spatial information, amino acid conservation, physicochemical variation, residue mobility, and thermodynamic stability) performed at Invitae indicates that this missense variant is not expected to disrupt STXBP2 protein function. In summary, the available evidence is currently insufficient to determine the role of this variant in disease. Therefore, it has been classified as a Variant of Uncertain Significance.

NM_006949.4(STXBP2):c.1481A>C (p.Asn494Thr)

Gene: STXBP2 (syntaxin binding protein 2; plus strand). Cytogenetic location: 19p13.2.
Variant type: single nucleotide variant.
Coding change: c.1481A>C on transcript NM_006949.4 (MANE Select); coding-DNA position 1481, A replaced by C.
Protein change: p.Asn494Thr; replaces asparagine 494 with threonine.
Molecular consequence: missense variant. On other transcripts: non-coding transcript variant (1).
Genome position (GRCh38, 1-based): chr19:7,647,190, A>C. VCF-style: chr19-7647190-A-C. GRCh37 (hg19) VCF-style: chr19-7712076-A-C.
Other names: c.1472A>C, p.Asn491Thr (NM_001127396.3); c.1514A>C, p.Asn505Thr (NM_001272034.2); short protein forms N494T, N505T, N491T.
Identifiers: ClinVar variation 657810 (VCV000657810.9), dbSNP rs1197928359, ClinGen allele CA403161791.